The following is an entry in ClinVar:

NM_032638.5(GATA2):c.866G>C (p.Cys289Ser)

Gene: GATA2 (GATA binding protein 2; minus strand). Cytogenetic location: 3q21.3.
Variant type: single nucleotide variant.
Coding change: c.866G>C on transcript NM_032638.5 (MANE Select); coding-DNA position 866, G replaced by C.
Protein change: p.Cys289Ser; replaces cysteine 289 with serine.
Molecular consequence: missense variant.
Genome position (GRCh38, 1-based): chr3:128,485,732, C>G on the plus strand (G>C on the coding strand, the complement: GATA2 is on the minus strand). VCF-style: chr3-128485732-C-G. GRCh37 (hg19) VCF-style: chr3-128204575-C-G.
Other names: c.866G>C, p.Cys289Ser (NM_001145661.2, NM_001145662.1); short protein forms C289S.
Identifiers: ClinVar variation 2929070 (VCV002929070.3), dbSNP rs780479282, ClinGen allele CA354405101.

ClinVar aggregate classification (germline): Uncertain significance (1 of 4 stars; one submission).

Conditions:
Monocytopenia with susceptibility to infections. Also called: IMMUNODEFICIENCY 21; GATA2 DEFICIENCY; Dendritic cell, monocyte, B lymphocyte, and natural killer lymphocyte deficiency; MONOCYTOPENIA AND MYCOBACTERIAL INFECTION SYNDROME; MONOCYTOPENIA WITH SUSCEPTIBILITY TO MYCOBACTERIAL, FUNGAL, AND PAPILLOMAVIRUS INFECTIONS AND MYELODYSPLASIA; COMBINED IMMUNODEFICIENCY WITH SUSCEPTIBILITY TO MYCOBACTERIAL, VIRAL, AND FUNGAL INFECTIONS. Identifiers: Orphanet 228423, MedGen C3280030, MONDO:0013607, OMIM 614172.
Deafness-lymphedema-leukemia syndrome. Also called: Emberger syndrome; Lymphedema, primary, with myelodysplasia. Identifiers: Orphanet 3226, MedGen C3279664, MONDO:0013540, OMIM 614038.

gnomAD v4.1: 2 of 1,613,724 alleles (0.00012%); highest among the groups gnomAD compares: Non-Finnish European, 0.00017%; no homozygotes.

Submission:

Labcorp Genetics (formerly Invitae), Labcorp
Classification: Uncertain significance for Monocytopenia with susceptibility to infections; Deafness-lymphedema-leukemia syndrome. Last evaluated: 2023-06-16. Review status: criteria provided, single submitter. Criteria: Invitae Variant Classification Sherloc (09022015). Collection method: clinical testing. Allele origin: germline.
Comment: This variant is not present in population databases (gnomAD no frequency). Advanced modeling of protein sequence and biophysical properties (such as structural, functional, and spatial information, amino acid conservation, physicochemical variation, residue mobility, and thermodynamic stability) has been performed at Invitae for this missense variant, however the output from this modeling did not meet the statistical confidence thresholds required to predict the impact of this variant on GATA2 protein function. This variant has not been reported in the literature in individuals affected with GATA2-related conditions. This sequence change replaces cysteine, which is neutral and slightly polar, with serine, which is neutral and polar, at codon 289 of the GATA2 protein (p.Cys289Ser). In summary, the available evidence is currently insufficient to determine the role of this variant in disease. Therefore, it has been classified as a Variant of Uncertain Significance.